The following is an entry in ClinVar:

ClinVar aggregate classification (germline): Uncertain significance. Review status: criteria provided, multiple submitters, no conflicts (2 of 4 stars). 3 submissions from 3 submitters: Uncertain significance (3). Last evaluated 2025-12-11.

Allele frequency attached by ClinVar (database versions not stated): gnomAD 0.00004 and 0.00005; ESP Exome Variant Server 0.00008; 1000 Genomes Project 30x 0.00016; 1000 Genomes Project 0.00020.
gnomAD v4.1: 28 of 1,614,000 alleles (0.0017%); highest among the groups gnomAD compares: Middle Eastern, 0.017%; no homozygotes.

Submissions (3):

Ambry Genetics
Classification: Uncertain significance. Last evaluated: 2025-12-11. Review status: criteria provided, single submitter. Criteria: Ambry Variant Classification Scheme 2023. Collection method: clinical testing. Allele origin: germline.

Labcorp Genetics (formerly Invitae), Labcorp
Classification: Uncertain significance. Last evaluated: 2025-04-11. Review status: criteria provided, single submitter. Criteria: Invitae Variant Classification Sherloc (09022015). Collection method: clinical testing. Allele origin: germline.
Comment: This sequence change replaces alanine, which is neutral and non-polar, with valine, which is neutral and non-polar, at codon 712 of the ARHGEF10 protein (p.Ala712Val). This variant is present in population databases (rs201394769, gnomAD 0.01%). This variant has not been reported in the literature in individuals affected with ARHGEF10-related conditions. ClinVar contains an entry for this variant (Variation ID: 1430297). Invitae Evidence Modeling of protein sequence and biophysical properties (such as structural, functional, and spatial information, amino acid conservation, physicochemical variation, residue mobility, and thermodynamic stability) indicates that this missense variant is not expected to disrupt ARHGEF10 protein function with a negative predictive value of 80%. In summary, the available evidence is currently insufficient to determine the role of this variant in disease. Therefore, it has been classified as a Variant of Uncertain Significance.

Women's Health and Genetics/Laboratory Corporation of America, LabCorp
Classification: Uncertain significance. Last evaluated: 2025-04-09. Review status: criteria provided, single submitter. Criteria: LabCorp Variant Classification Summary - May 2015. Collection method: clinical testing. Allele origin: germline.
Comment: Variant summary: ARHGEF10 c.2135C>T (p.Ala712Val) results in a non-conservative amino acid change in the encoded protein sequence. Four of five in-silico tools predict a benign effect of the variant on protein function. The variant allele was found at a frequency of 2.4e-05 in 251314 control chromosomes. The available data on variant occurrences in the general population are insufficient to allow any conclusion about variant significance. To our knowledge, no occurrence of c.2135C>T in individuals affected with Autosomal dominant slowed nerve conduction velocity and no experimental evidence demonstrating its impact on protein function have been reported. ClinVar contains an entry for this variant (Variation ID: 1430297). Based on the evidence outlined above, the variant was classified as uncertain significance.

NM_014629.4(ARHGEF10):c.2135C>T (p.Ala712Val)

Gene: ARHGEF10 (Rho guanine nucleotide exchange factor 10; plus strand). Cytogenetic location: 8p23.3.
Variant type: single nucleotide variant.
Coding change: c.2135C>T on transcript NM_014629.4 (MANE Select); coding-DNA position 2135, C replaced by T.
Protein change: p.Ala712Val; replaces alanine 712 with valine.
Molecular consequence: missense variant.
Genome position (GRCh38, 1-based): chr8:1,909,462, C>T. VCF-style: chr8-1909462-C-T. GRCh37 (hg19) VCF-style: chr8-1857628-C-T.
Other names: c.2021C>T, p.Ala674Val (NM_001308152.2); c.2135C>T, p.Ala712Val (NM_001308153.3); short protein forms A674V, A736V, A712V.
Identifiers: ClinVar variation 1430297 (VCV001430297.9), dbSNP rs201394769, ClinGen allele CA4600731.